The following is an entry in ClinVar:

NM_000138.5(FBN1):c.4881del (p.Ser1628fs)

Gene: FBN1 (fibrillin 1; minus strand). Cytogenetic location: 15q21.1.
Variant type: Deletion.
Coding change: c.4881del on transcript NM_000138.5 (MANE Select); coding-DNA position 4881, one base deleted (G; older notation c.4881delG).
Protein change: p.Ser1628fs; shifts the reading frame from serine 1628.
Molecular consequence: frameshift variant.
Genome position (GRCh38, 1-based): chr15:48,465,629, C deleted on the plus strand (G on the coding strand, the reverse complement: FBN1 is on the minus strand); the first of 3 consecutive C bases (chr15:48,465,629-48,465,631); deleting any one gives the same sequence. VCF-style (leftmost placement, unchanged base first): chr15-48465628-TC-T. GRCh37 (hg19) VCF-style: chr15-48757825-TC-T.
Other names: short protein forms S1628fs.
Identifiers: ClinVar variation 937821 (VCV000937821.7), dbSNP rs2043314519, ClinGen allele CA1139663941.

ClinVar aggregate classification (germline): Pathogenic (1 of 4 stars; one submission).

Conditions:
Familial thoracic aortic aneurysm and aortic dissection (TAAD). Also called: Thoracic aortic aneurysms and dissections. Identifiers: Orphanet 91387, MedGen C4707243, MONDO:0019625.
Marfan syndrome (MFS). Also called: Marfan syndrome, classic; Marfan syndrome type 1; Marfan's syndrome; FBN1-Related Marfan Syndrome; MARFAN SYNDROME, TYPE I. Identifiers: Orphanet 284963, Orphanet 558, MedGen C0024796, MONDO:0007947, OMIM 154700.

Submission:

Labcorp Genetics (formerly Invitae), Labcorp
Classification: Pathogenic for Marfan syndrome; Familial thoracic aortic aneurysm and aortic dissection. Last evaluated: 2019-09-03. Review status: criteria provided, single submitter. Criteria: Invitae Variant Classification Sherloc (09022015). Collection method: clinical testing. Allele origin: germline.
Comment: This sequence change creates a premature translational stop signal (p.Ser1628Valfs*12) in the FBN1 gene. It is expected to result in an absent or disrupted protein product. This variant is not present in population databases (ExAC no frequency). This variant has not been reported in the literature in individuals with FBN1-related conditions. For these reasons, this variant has been classified as Pathogenic. Loss-of-function variants in FBN1 are known to be pathogenic (PMID: 17657824, 19293843).

Literature cited by the submitters: PubMed 17657824; PubMed 19293843.